The following is an entry in ClinVar:

NM_018238.4(AGK):c.1114A>G (p.Thr372Ala)

Gene: AGK (acylglycerol kinase; plus strand). Cytogenetic location: 7q34.
Variant type: single nucleotide variant.
Coding change: c.1114A>G on transcript NM_018238.4 (MANE Select); coding-DNA position 1114, A replaced by G.
Protein change: p.Thr372Ala; replaces threonine 372 with alanine.
Molecular consequence: missense variant.
Genome position (GRCh38, 1-based): chr7:141,651,592, A>G. VCF-style: chr7-141651592-A-G. GRCh37 (hg19) VCF-style: chr7-141351392-A-G.
Other names: short protein forms T372A.
Identifiers: ClinVar variation 2592538 (VCV002592538.4), dbSNP rs768428890, ClinGen allele CA4517677.

ClinVar aggregate classification (germline): Uncertain significance. Review status: criteria provided, multiple submitters, no conflicts (2 of 4 stars). 2 submissions from 2 submitters: Uncertain significance (2). Last evaluated 2025-08-13.

Conditions:
Inborn genetic diseases. Identifiers: MedGen C0950123, MeSH D030342.

Allele frequency attached by ClinVar (database versions not stated): ExAC 0.00001; gnomAD exomes 0.00001; gnomAD 0.00004; TOPMed 0.00017.

Submissions (2):

Ambry Genetics
Classification: Uncertain significance for Inborn genetic diseases. Last evaluated: 2025-08-13. Review status: criteria provided, single submitter. Criteria: Ambry Variant Classification Scheme 2023. Collection method: clinical testing. Allele origin: germline.

GeneDx
Classification: Uncertain significance. Last evaluated: 2025-04-24. Review status: criteria provided, single submitter. Criteria: GeneDx Variant Classification Process June 2021. Collection method: clinical testing. Allele origin: germline. Affected: yes.
Comment: Not observed at significant frequency in large population cohorts (gnomAD); In silico analysis indicates that this missense variant does not alter protein structure/function; Has not been previously published as pathogenic or benign to our knowledge